The following is an entry in ClinVar:

NM_005751.5(AKAP9):c.3677A>G (p.Asp1226Gly)

Gene: AKAP9 (A-kinase anchoring protein 9; plus strand). Cytogenetic location: 7q21.2.
Variant type: single nucleotide variant.
Coding change: c.3677A>G on transcript NM_005751.5 (MANE Select); coding-DNA position 3677, A replaced by G.
Protein change: p.Asp1226Gly; replaces aspartic acid 1226 with glycine.
Molecular consequence: missense variant.
Genome position (GRCh38, 1-based): chr7:92,016,193, A>G. VCF-style: chr7-92016193-A-G. GRCh37 (hg19) VCF-style: chr7-91645507-A-G.
Other names: c.3677A>G, p.Asp1226Gly (NM_147185.3); short protein forms D1226G.
Identifiers: ClinVar variation 3282097 (VCV003282097.1).
Genomic context (GRCh38, chr7:92,016,193, plus strand): 5'-TATGCAGTGTCCTTGGTGAATATTATACTCCTGCTTTAAAATGTGAAGTAAATGCAGAAG[A>G]CAAAGAGAATTCTGGTGATTACATTTCTGAAAATGAAGATCCAGAATTACAAGATTATAG-3'
Protein context (NP_005742.4, residues 1216-1236): PALKCEVNAE[Asp1226Gly]KENSGDYISE

ClinVar aggregate classification (germline): Uncertain significance (1 of 4 stars; one submission).

Conditions:
Cardiovascular phenotype. Identifiers: MedGen CN230736.

gnomAD v4.1: 2 of 1,590,336 alleles (0.00013%); highest among the groups gnomAD compares: African/African-American, 0.0013%; no homozygotes.

Submission:

Ambry Genetics
Classification: Uncertain significance for Cardiovascular phenotype. Last evaluated: 2024-05-26. Review status: criteria provided, single submitter. Criteria: Ambry Variant Classification Scheme 2023. Collection method: clinical testing. Allele origin: germline.
Comment: The p.D1226G variant (also known as c.3677A>G), located in coding exon 11 of the AKAP9 gene, results from an A to G substitution at nucleotide position 3677. The aspartic acid at codon 1226 is replaced by glycine, an amino acid with similar properties. This amino acid position is conserved. In addition, this alteration is predicted to be tolerated by in silico analysis. Based on the available evidence, the clinical significance of this variant remains unclear.